The following is an entry in ClinVar:

ClinVar aggregate classification (germline): Likely benign. Review status: criteria provided, multiple submitters, no conflicts (2 of 4 stars). 3 submissions from 3 submitters: Likely benign (3). Last evaluated 2025-10-01.

Conditions:
Cardiovascular phenotype. Identifiers: MedGen CN230736.
Cardiomyopathy (CMYO). Also called: Cardiomyopathies. Identifiers: Orphanet 167848, MedGen C0878544, MONDO:0004994, HP:0001638. Inheritance: Various modes of inheritance.
Hypertrophic cardiomyopathy. Also called: HYPERTROPHIC MYOCARDIOPATHY. Identifiers: Orphanet 217569, MedGen C0007194, MeSH D002312, MONDO:0005045, HP:0001639.

Allele frequency attached by ClinVar (database versions not stated): gnomAD exomes below 0.00001.
gnomAD v4.1: 4 of 1,613,700 alleles (0.00025%); highest among the groups gnomAD compares: Non-Finnish European, 0.00034%; no homozygotes.

Submissions (3):

Ambry Genetics
Classification: Likely benign for Cardiovascular phenotype. Last evaluated: 2025-10-01. Review status: criteria provided, single submitter. Criteria: Ambry Variant Classification Scheme 2023. Collection method: clinical testing. Allele origin: germline.

All of Us Research Program, National Institutes of Health
Classification: Likely benign for Cardiomyopathy. Last evaluated: 2023-10-02. Review status: criteria provided, single submitter. Criteria: ACMG Guidelines, 2015. Collection method: clinical testing. Allele origin: germline. Inheritance: Autosomal dominant inheritance. Observed: 1 variant allele, 1 heterozygote.
Comment: This study involves interpretation of variants in research participants for the purpose of population health screening. Participant phenotype was not available at the time of variant classification. Additional details can be found in publication PMID: 35346344, PMCID: PMC8962531

Labcorp Genetics (formerly Invitae), Labcorp
Classification: Likely benign for Hypertrophic cardiomyopathy. Last evaluated: 2023-05-22. Review status: criteria provided, single submitter. Criteria: Invitae Variant Classification Sherloc (09022015). Collection method: clinical testing. Allele origin: germline.

NM_000257.4(MYH7):c.4071G>T (p.Leu1357=)

Gene: MYH7 (myosin heavy chain 7; minus strand). Cytogenetic location: 14q11.2.
Variant type: single nucleotide variant.
Coding change: c.4071G>T on transcript NM_000257.4 (MANE Select); coding-DNA position 4071, G replaced by T.
Protein change: p.Leu1357=; no amino-acid change (leucine 1357 retained).
Molecular consequence: synonymous variant.
Genome position (GRCh38, 1-based): chr14:23,418,308, C>A on the plus strand (G>T on the coding strand, the complement: MYH7 is on the minus strand). VCF-style: chr14-23418308-C-A. GRCh37 (hg19) VCF-style: chr14-23887517-C-A.
Other names: c.4071G>T, p.Leu1357= (NM_001407004.1).
Identifiers: ClinVar variation 1942300 (VCV001942300.7), dbSNP rs1892313272, ClinGen allele CA485618481.